The following is an entry in ClinVar:

NM_000038.6(APC):c.7583T>C (p.Ile2528Thr)

Gene: APC (APC regulator of Wnt signaling pathway; plus strand). Cytogenetic location: 5q22.2.
Variant type: single nucleotide variant.
Coding change: c.7583T>C on transcript NM_000038.6 (MANE Select); coding-DNA position 7583, T replaced by C.
Protein change: p.Ile2528Thr; replaces isoleucine 2528 with threonine.
Molecular consequence: missense variant.
Genome position (GRCh38, 1-based): chr5:112,843,177, T>C. VCF-style: chr5-112843177-T-C. GRCh37 (hg19) VCF-style: chr5-112178874-T-C.
Other names: p.I2528T:ATT>ACT; c.7583T>C, p.Ile2528Thr (NM_001127510.3, NM_001354895.2); c.7529T>C, p.Ile2510Thr (NM_001127511.3); c.7637T>C, p.Ile2546Thr (NM_001354896.2); c.7613T>C, p.Ile2538Thr (NM_001354897.2); c.7508T>C, p.Ile2503Thr (NM_001354898.2); c.7499T>C, p.Ile2500Thr (NM_001354899.2); c.7460T>C, p.Ile2487Thr (NM_001354900.2); and 6 more; short protein forms I2510T, I2528T, I2427T, I2503T, I2538T, I2245T, I2402T, I2500T.
Identifiers: ClinVar variation 181823 (VCV000181823.27), dbSNP rs730881264, ClinGen allele CA013882.

ClinVar aggregate classification (germline): Uncertain significance. Review status: criteria provided, multiple submitters, no conflicts (2 of 4 stars). 8 submissions from 8 submitters: Uncertain significance (8). Last evaluated 2025-12-14.

Conditions:
Classic or attenuated familial adenomatous polyposis. Identifiers: MedGen CN372698, MONDO:0021057.
Desmoid disease, hereditary (DESMD). Also called: FIBROMATOSIS, FAMILIAL INFILTRATIVE. Identifiers: Orphanet 873, MedGen C1851124, OMIM 135290. Disease mechanism: loss of function.
Gastric adenocarcinoma and proximal polyposis of the stomach (GAPPS). Also called: Polyposis, gastric, Dos Santos and de Magalhaes 1980; Gastric Adenocarcinoma and Proximal Polyposis of the Stomach (GAPPS); POLYPOSIS, GASTRIC. Identifiers: Orphanet 314022, MedGen C4749917, MONDO:0017790, OMIM 619182.
Hepatocellular carcinoma (HCC). Also called: Primary carcinoma of liver; HEPATOMA; LIVER CELL CARCINOMA. Identifiers: Orphanet 88673, MedGen C2239176, MONDO:0007256, OMIM 114550, HP:0001402.
Gastric cancer. Also called: Stomach cancer; Malignant tumor of stomach. Identifiers: MedGen C0024623, MeSH D013274, MONDO:0001056, OMIM 613659, HP:0012126.
Colorectal cancer. Also called: Colorectal cancer, somatic; Malignant Colorectal Neoplasm. Identifiers: MedGen C0346629, MONDO:0005575, OMIM 114500.
Familial adenomatous polyposis 1 (FAP1). Also called: FAMILIAL ADENOMATOUS POLYPOSIS 1, ATTENUATED; POLYPOSIS, ADENOMATOUS INTESTINAL. Identifiers: MedGen C2713442, MONDO:0021056, OMIM 175100. Disease mechanism: loss of function.
Hereditary cancer-predisposing syndrome. Also called: Tumor predisposition; Neoplastic Syndromes, Hereditary; Hereditary Cancer Syndrome; Hereditary neoplastic syndrome. Identifiers: Orphanet 140162, MedGen C0027672, MeSH D009386, MONDO:0015356.

Allele frequency attached by ClinVar (database versions not stated): TOPMed below 0.00001.
gnomAD v4.1: 12 of 1,613,300 alleles (0.00074%); highest among the groups gnomAD compares: South Asian, 0.0011%; no homozygotes.

Submissions (8):

Labcorp Genetics (formerly Invitae), Labcorp
Classification: Uncertain significance for Familial adenomatous polyposis 1. Last evaluated: 2025-12-14. Review status: criteria provided, single submitter. Criteria: Invitae Variant Classification Sherloc (09022015). Collection method: clinical testing. Allele origin: germline.
Comment: This sequence change replaces isoleucine, which is neutral and non-polar, with threonine, which is neutral and polar, at codon 2528 of the APC protein (p.Ile2528Thr). This variant is present in population databases (rs730881264, gnomAD 0.003%). This missense change has been observed in individual(s) with biliary tract cancer (PMID: 36243179). ClinVar contains an entry for this variant (Variation ID: 181823). Invitae Evidence Modeling of protein sequence and biophysical properties (such as structural, functional, and spatial information, amino acid conservation, physicochemical variation, residue mobility, and thermodynamic stability) indicates that this missense variant is not expected to disrupt APC protein function with a negative predictive value of 95%. In summary, the available evidence is currently insufficient to determine the role of this variant in disease. Therefore, it has been classified as a Variant of Uncertain Significance.

Ambry Genetics
Classification: Uncertain significance for Hereditary cancer-predisposing syndrome. Last evaluated: 2025-10-12. Review status: criteria provided, single submitter. Criteria: Ambry Variant Classification Scheme 2023. Collection method: clinical testing. Allele origin: germline.
Comment: The p.I2528T variant (also known as c.7583T>C), located in coding exon 15 of the APC gene, results from a T to C substitution at nucleotide position 7583. The isoleucine at codon 2528 is replaced by threonine, an amino acid with similar properties. This amino acid position is highly conserved in available vertebrate species. In addition, in silico predictors for this gene do not accurately predict pathogenicity. Since supporting evidence is limited at this time, the clinical significance of this alteration remains unclear.

Fulgent Genetics
Classification: Uncertain significance for Colorectal cancer; Hepatocellular carcinoma; Desmoid disease, hereditary; Familial adenomatous polyposis 1; Gastric cancer; Gastric adenocarcinoma and proximal polyposis of the stomach. Last evaluated: 2024-05-15. Review status: criteria provided, single submitter. Criteria: ACMG Guidelines, 2015. Collection method: clinical testing. Allele origin: germline.

All of Us Research Program, National Institutes of Health
Classification: Uncertain significance for Classic or attenuated familial adenomatous polyposis. Last evaluated: 2024-05-14. Review status: criteria provided, single submitter. Criteria: ACMG Guidelines, 2015. Collection method: clinical testing. Allele origin: germline. Inheritance: Autosomal dominant inheritance. Observed: 1 variant allele, 1 heterozygote.
Comment: This missense variant replaces isoleucine with threonine at codon 2528 of the APC protein. Computational prediction is inconclusive regarding the impact of this variant on protein structure and function (internally defined REVEL score threshold 0.5 < inconclusive < 0.7, PMID: 27666373). To our knowledge, functional studies have not been reported for this variant. This variant has not been reported in individuals affected with hereditary cancer in the literature. This variant has been identified in 1/250780 chromosomes in the general population by the Genome Aggregation Database (gnomAD). The available evidence is insufficient to determine the role of this variant in disease conclusively. Therefore, this variant is classified as a Variant of Uncertain Significance.

This study involves interpretation of variants in research participants for the purpose of population health screening. Participant phenotype was not available at the time of variant classification. Additional details can be found in publication PMID: 35346344, PMCID: PMC8962531

Color Diagnostics, LLC DBA Color Health
Classification: Uncertain significance for Hereditary cancer-predisposing syndrome. Last evaluated: 2024-03-06. Review status: criteria provided, single submitter. Criteria: ACMG Guidelines, 2015. Collection method: clinical testing. Allele origin: germline.
Comment: This missense variant replaces isoleucine with threonine at codon 2528 of the APC protein. Computational prediction is inconclusive regarding the impact of this variant on protein structure and function (internally defined REVEL score threshold 0.5 < inconclusive < 0.7, PMID: 27666373). To our knowledge, functional studies have not been reported for this variant. This variant has not been reported in individuals affected with hereditary cancer in the literature. This variant has been identified in 1/250780 chromosomes in the general population by the Genome Aggregation Database (gnomAD). The available evidence is insufficient to determine the role of this variant in disease conclusively. Therefore, this variant is classified as a Variant of Uncertain Significance.

Baylor Genetics
Classification: Uncertain significance for Familial adenomatous polyposis 1. Last evaluated: 2023-08-02. Review status: criteria provided, single submitter. Criteria: ACMG Guidelines, 2015. Collection method: clinical testing. Allele origin: unknown.

Institute for Clinical Genetics, University Hospital TU Dresden, University Hospital TU Dresden
Classification: Uncertain significance. Last evaluated: 2021-11-03. Review status: criteria provided, single submitter. Criteria: ACMG Guidelines, 2015. Collection method: clinical testing. Allele origin: germline.

GeneDx
Classification: Uncertain significance. Last evaluated: 2014-08-20. Review status: criteria provided, single submitter. Criteria: GeneDx Variant Classification (06012015). Collection method: clinical testing. Allele origin: germline. Affected: yes.
Comment: This variant is denoted APC c.7583T>C at the cDNA level, p.Ile2528Thr (I2528T) at the protein level, and results in the change of an Isoleucine to a Threonine (ATT>ACT). This variant has not, to our knowledge, been published in the literature as pathogenic or benign. APC Ile2528Thr was not observed in approximately 6,500 individuals of European and African American ancestry in the NHLBI Exome Sequencing Project, indicating it is not a common benign variant in these populations. Since Isoleucine and Threonine differ in polarity, charge, size or other properties, this is considered a non-conservative amino acid substitution. APC Ile2528Thr occurs at a position that is highly conserved through vertebrates and is located in a Ser-rich region (UniProt). In silico analyses predict that this variant is probably damaging to protein structure and function. Based on currently available information, it is unclear whether APC Ile2528Thr is pathogenic or benign. We consider it to be a variant of uncertain significance.

Literature cited by the submitters: PubMed 36243179 (cited by Labcorp Genetics (formerly Invitae), Labcorp).